The following is an entry in ClinVar:

NM_005263.5(GFI1):c.731T>C (p.Leu244Pro)

Gene: GFI1 (growth factor independent 1 transcriptional repressor; minus strand). Cytogenetic location: 1p22.1.
Variant type: single nucleotide variant.
Coding change: c.731T>C on transcript NM_005263.5 (MANE Select); coding-DNA position 731, T replaced by C.
Protein change: p.Leu244Pro; replaces leucine 244 with proline.
Molecular consequence: missense variant.
Genome position (GRCh38, 1-based): chr1:92,480,656, A>G on the plus strand (T>C on the coding strand, the complement: GFI1 is on the minus strand). VCF-style: chr1-92480656-A-G. GRCh37 (hg19) VCF-style: chr1-92946213-A-G.
Other names: c.731T>C, p.Leu244Pro (NM_001127215.3, NM_001127216.3); short protein forms L244P.
Identifiers: ClinVar variation 4858062 (VCV004858062.1).

ClinVar aggregate classification (germline): Uncertain significance (1 of 4 stars; one submission).

gnomAD v4.1: 1 of 1,593,616 alleles (0.000063%); highest among the groups gnomAD compares: Non-Finnish European, 0.000085%; no homozygotes.

Submission:

Ambry Genetics
Classification: Uncertain significance. Last evaluated: 2026-05-14. Review status: criteria provided, single submitter. Criteria: Ambry Variant Classification Scheme 2023. Collection method: clinical testing. Allele origin: germline.
Comment: The p.L244P variant (also known as c.731T>C), located in coding exon 3 of the GFI1 gene, results from a T to C substitution at nucleotide position 731. The leucine at codon 244 is replaced by proline, an amino acid with similar properties. This amino acid position is conserved. In addition, this alteration is predicted to be tolerated by in silico analysis. Based on the available evidence, the clinical significance of this variant remains unclear.